The following is an entry in ClinVar:

NM_000637.5(GSR):c.1098C>T (p.Asn366=)

Gene: GSR (glutathione-disulfide reductase; minus strand). Cytogenetic location: 8p12.
Variant type: single nucleotide variant.
Coding change: c.1098C>T on transcript NM_000637.5 (MANE Select); coding-DNA position 1098, C replaced by T.
Protein change: p.Asn366=; no amino-acid change (asparagine 366 retained).
Molecular consequence: synonymous variant.
Genome position (GRCh38, 1-based): chr8:30,684,143, G>A on the plus strand (C>T on the coding strand, the complement: GSR is on the minus strand). VCF-style: chr8-30684143-G-A. GRCh37 (hg19) VCF-style: chr8-30541660-G-A.
Other names: p.Asn366=; c.1098C>T (NM_000637.3); c.1011C>T, p.Asn337= (NM_001195102.3); c.939C>T, p.Asn313= (NM_001195103.3); c.852C>T, p.Asn284= (NM_001195104.3).
Identifiers: ClinVar variation 2057203 (VCV002057203.7), dbSNP rs138286932, ClinGen allele CA4701279.

ClinVar aggregate classification (germline): Benign/Likely benign. Review status: criteria provided, multiple submitters, no conflicts (2 of 4 stars). 3 submissions from 3 submitters: Benign (1); Likely benign (1). 1 of the submissions does not count toward it. Last evaluated 2025-12-10.

Conditions:
GSR-related disorder. Also called: GSR-related condition.

Allele frequency attached by ClinVar (database versions not stated): gnomAD exomes 0.00014; ExAC 0.00061; ESP Exome Variant Server 0.00169; gnomAD 0.00170; TOPMed 0.00204; 1000 Genomes Project 0.00260; 1000 Genomes Project 30x 0.00312.
gnomAD v4.1: 468 of 1,610,280 alleles (0.029%); highest among the groups gnomAD compares: African/African-American, 0.58%; no homozygotes.

Submissions (3):

Labcorp Genetics (formerly Invitae), Labcorp
Classification: Benign. Last evaluated: 2025-12-10. Review status: criteria provided, single submitter. Criteria: Invitae Variant Classification Sherloc (09022015). Collection method: clinical testing. Allele origin: germline.

Mayo Clinic Laboratories, Mayo Clinic
Classification: Likely benign. Last evaluated: 2025-08-07. Review status: criteria provided, single submitter. Criteria: ACMG Guidelines, 2015. Collection method: clinical testing. Allele origin: germline. Observed: 3 variant alleles.

PreventionGenetics, part of Exact Sciences
Classification: Likely benign for GSR-related condition. Last evaluated: 2019-05-23. Review status: no assertion criteria provided. Collection method: clinical testing. Allele origin: germline. Not counted in ClinVar's aggregate classification.
Comment: This variant is classified as likely benign based on ACMG/AMP sequence variant interpretation guidelines (Richards et al. 2015 PMID: 25741868, with internal and published modifications).